The following is an entry in ClinVar:

ClinVar aggregate classification (germline): Uncertain significance (1 of 4 stars; one submission).

Conditions:
Ataxia-telangiectasia syndrome (AT). Also called: LOUIS-BAR SYNDROME; Cerebello-oculocutaneous telangiectasia; Immunodeficiency with ataxia telangiectasia; Ataxia telangiectasia (A-T); Ataxia-telangiectasia, complementation group D; AT, COMPLEMENTATION GROUP C. Identifiers: Orphanet 100, MedGen C0004135, MONDO:0008840, OMIM 208900.

Submission:

Labcorp Genetics (formerly Invitae), Labcorp
Classification: Uncertain significance for Ataxia-telangiectasia syndrome. Last evaluated: 2025-07-31. Review status: criteria provided, single submitter. Criteria: Invitae Variant Classification Sherloc (09022015). Collection method: clinical testing. Allele origin: germline.
Comment: This sequence change replaces valine, which is neutral and non-polar, with leucine, which is neutral and non-polar, at codon 2731 of the ATM protein (p.Val2731Leu). This variant is not present in population databases (gnomAD no frequency). This variant has not been reported in the literature in individuals affected with ATM-related conditions. ClinVar contains an entry for this variant (Variation ID: 2810651). Invitae Evidence Modeling of protein sequence and biophysical properties (such as structural, functional, and spatial information, amino acid conservation, physicochemical variation, residue mobility, and thermodynamic stability) has been performed for this missense variant. However, the output from this modeling did not meet the statistical confidence thresholds required to predict the impact of this variant on ATM protein function. In summary, the available evidence is currently insufficient to determine the role of this variant in disease. Therefore, it has been classified as a Variant of Uncertain Significance.

NM_000051.4(ATM):c.8191G>C (p.Val2731Leu)

Genes: ATM (ATM serine/threonine kinase; plus strand), C11orf65 (chromosome 11 open reading frame 65; minus strand). Cytogenetic location: 11q22.3.
Variant type: single nucleotide variant.
Coding change: c.8191G>C on transcript NM_000051.4 (MANE Select); coding-DNA position 8191, G replaced by C.
Protein change: p.Val2731Leu; replaces valine 2731 with leucine.
Molecular consequence: missense variant. On other transcripts: intron variant (2).
Genome position (GRCh38, 1-based): chr11:108,335,884, G>C. VCF-style: chr11-108335884-G-C. GRCh37 (hg19) VCF-style: chr11-108206611-G-C.
Other names: c.8191G>C, p.Val2731Leu (NM_001351834.2); c.641-26813C>G (NM_001330368.2); c.695-592C>G (NM_001351110.2); short protein forms V2731L.
Identifiers: ClinVar variation 2810651 (VCV002810651.3), dbSNP rs1215175886, ClinGen allele CA382562538.